The following is an entry in ClinVar:

NM_000179.3(MSH6):c.973C>T (p.Gln325Ter)

Gene: MSH6 (mutS homolog 6; plus strand). Cytogenetic location: 2p16.3.
Variant type: single nucleotide variant.
Coding change: c.973C>T on transcript NM_000179.3 (MANE Select); coding-DNA position 973, C replaced by T.
Protein change: p.Gln325Ter; replaces glutamine 325 with a stop codon.
Molecular consequence: nonsense.
Genome position (GRCh38, 1-based): chr2:47,798,956, C>T. VCF-style: chr2-47798956-C-T. GRCh37 (hg19) VCF-style: chr2-48026095-C-T.
Other names: c.583C>T, p.Gln195Ter (NM_001281492.2); c.67C>T, p.Gln23Ter (NM_001281493.2, NM_001281494.2); short protein forms Q325*, Q195*, Q23*.
Identifiers: ClinVar variation 455361 (VCV000455361.12), dbSNP rs1553412397, ClinGen allele CA346740973.

ClinVar aggregate classification (germline): Pathogenic. Review status: criteria provided, multiple submitters, no conflicts (2 of 4 stars). 3 submissions from 3 submitters: Pathogenic (3). Last evaluated 2024-04-30.

Conditions:
Hereditary nonpolyposis colorectal neoplasms. Identifiers: MedGen C0009405, MeSH D003123.
Hereditary cancer-predisposing syndrome. Also called: Hereditary Cancer Syndrome; Hereditary neoplastic syndrome; Neoplastic Syndromes, Hereditary; Tumor predisposition. Identifiers: Orphanet 140162, MedGen C0027672, MeSH D009386, MONDO:0015356.
Lynch syndrome 5 (LYNCH5). Also called: Hereditary non-polyposis colorectal cancer, type 5; Colorectal cancer, hereditary nonpolyposis, type 5. Identifiers: Orphanet 144, MedGen C1833477, MONDO:0013710, OMIM 614350. Disease mechanism: loss of function.

gnomAD v4.1: 1 of 1,614,204 alleles (0.000062%); highest among the groups gnomAD compares: Non-Finnish European, 0.000085%; no homozygotes.

Submissions (3):

Myriad Genetics, Inc.
Classification: Pathogenic for Lynch syndrome 5. Last evaluated: 2024-04-30. Review status: criteria provided, single submitter. Criteria: Myriad Autosomal Dominant, Autosomal Recessive and X-Linked Classification Criteria (2023). Collection method: clinical testing. Allele origin: unknown.
Comment: This variant is considered pathogenic. This variant creates a termination codon and is predicted to result in premature protein truncation.

Labcorp Genetics (formerly Invitae), Labcorp
Classification: Pathogenic for Hereditary nonpolyposis colorectal neoplasms. Last evaluated: 2024-03-07. Review status: criteria provided, single submitter. Criteria: Invitae Variant Classification Sherloc (09022015). Collection method: clinical testing. Allele origin: germline.
Comment: This sequence change creates a premature translational stop signal (p.Gln325*) in the MSH6 gene. It is expected to result in an absent or disrupted protein product. Loss-of-function variants in MSH6 are known to be pathogenic (PMID: 18269114, 24362816). This variant is not present in population databases (gnomAD no frequency). This variant has not been reported in the literature in individuals affected with MSH6-related conditions. ClinVar contains an entry for this variant (Variation ID: 455361). For these reasons, this variant has been classified as Pathogenic.

Ambry Genetics
Classification: Pathogenic for Hereditary cancer-predisposing syndrome. Last evaluated: 2022-08-30. Review status: criteria provided, single submitter. Criteria: Ambry Variant Classification Scheme 2023. Collection method: clinical testing. Allele origin: germline.
Comment: The p.Q325* pathogenic mutation (also known as c.973C>T), located in coding exon 4 of the MSH6 gene, results from a C to T substitution at nucleotide position 973. This changes the amino acid from a glutamine to a stop codon within coding exon 4. This alteration is expected to result in loss of function by premature protein truncation or nonsense-mediated mRNA decay. As such, this alteration is interpreted as a disease-causing mutation.

Literature cited by the submitters: PubMed 18269114 (cited by Labcorp Genetics (formerly Invitae), Labcorp); PubMed 24362816 (cited by Labcorp Genetics (formerly Invitae), Labcorp).